The following is an entry in ClinVar:

NM_004629.2(FANCG):c.287T>C (p.Ile96Thr)

Gene: FANCG (FA complementation group G; minus strand). Cytogenetic location: 9p13.3.
Variant type: single nucleotide variant.
Coding change: c.287T>C on transcript NM_004629.2 (MANE Select); coding-DNA position 287, T replaced by C.
Protein change: p.Ile96Thr; replaces isoleucine 96 with threonine.
Molecular consequence: missense variant.
Genome position (GRCh38, 1-based): chr9:35,078,625, A>G on the plus strand (T>C on the coding strand, the complement: FANCG is on the minus strand). VCF-style: chr9-35078625-A-G. GRCh37 (hg19) VCF-style: chr9-35078622-A-G.
Other names: short protein forms I96T.
Identifiers: ClinVar variation 3848456 (VCV003848456.1).
Genomic context (GRCh38, chr9:35,078,625, plus strand): 5'-GAAGATGGCAGGGGAATCAGGGACAATCTCTGGCCCTCACCTCTCTCTAGGCTCCGCTGG[A>G]TATCCTGGGCCTGATCCTCTGTGAAACCCTGGGCCAAGCTTGCCCTCAGGATAATGAAGT-3'
Protein context (NP_004620.1, residues 86-106): QGFTEDQAQD[Ile96Thr]QRSLERVLET

ClinVar aggregate classification (germline): Uncertain significance (1 of 4 stars; one submission).

Conditions:
Inborn genetic diseases. Identifiers: MedGen C0950123, MeSH D030342.

Submission:

Ambry Genetics
Classification: Uncertain significance for Inborn genetic diseases. Last evaluated: 2025-03-01. Review status: criteria provided, single submitter. Criteria: Ambry Variant Classification Scheme 2023. Collection method: clinical testing. Allele origin: germline.
Comment: The p.I96T variant (also known as c.287T>C), located in coding exon 3 of the FANCG gene, results from a T to C substitution at nucleotide position 287. The isoleucine at codon 96 is replaced by threonine, an amino acid with similar properties. This amino acid position is conserved. In addition, this alteration is predicted to be deleterious by in silico analysis. Based on the available evidence, the clinical significance of this variant remains unclear.